The following is an entry in ClinVar:

ClinVar aggregate classification (germline): Pathogenic (1 of 4 stars; one submission).

Submission:

Baylor Genetics
Classification: Pathogenic. Last evaluated: 2018-11-01. Review status: criteria provided, single submitter. Criteria: ACMG CNV Guidelines, 2011. Collection method: clinical testing. Allele origin: maternal. Observed: 1 variant allele.

GRCh37/hg19 10q11.22-11.23(chr10:48102606-50641752)

Genes: AGAP9 (ArfGAP with GTPase domain, ankyrin repeat and PH domain 9; minus strand), ANXA8 (annexin A8; minus strand), ARHGAP22 (Rho GTPase activating protein 22; minus strand), C10orf71 (chromosome 10 open reading frame 71; plus strand), DRGX (dorsal root ganglia homeobox; minus strand) and 14 more. Cytogenetic location: 10q11.22-11.23.
Variant type: copy number loss.
Identifiers: ClinVar variation 625591 (VCV000625591.1).